The following is an entry in ClinVar:

ClinVar aggregate classification (germline): Likely pathogenic (1 of 4 stars; one submission).

Submission:

CeGaT Center for Human Genetics Tuebingen
Classification: Likely pathogenic. Last evaluated: 2025-09-01. Review status: criteria provided, single submitter. Criteria: CeGaT Center For Human Genetics Tuebingen Variant Classification Criteria Version 2. Collection method: clinical testing. Allele origin: germline. Affected: yes. Observed: 5 variant alleles.
Comment: VWA1: PVS1:Strong, PM2, PM3:Supporting

NM_022834.5(VWA1):c.632-2A>G

Gene: VWA1 (von Willebrand factor A domain containing 1; plus strand). Cytogenetic location: 1p36.33.
Variant type: single nucleotide variant.
Coding change: c.632-2A>G on transcript NM_022834.5 (MANE Select); the canonical splice acceptor site of the intron before coding-DNA position 632, A replaced by G.
Molecular consequence: splice acceptor variant.
Genome position (GRCh38, 1-based): chr1:1,439,079, A>G. VCF-style: chr1-1439079-A-G. GRCh37 (hg19) VCF-style: chr1-1374459-A-G.
Other names: c.*42-2A>G (NM_199121.3).
Identifiers: ClinVar variation 4085416 (VCV004085416.8).